The following is an entry in ClinVar:

ClinVar aggregate classification (germline): Uncertain significance. Review status: criteria provided, multiple submitters, no conflicts (2 of 4 stars). 3 submissions from 3 submitters: Uncertain significance (3). Last evaluated 2025-08-11.

Conditions:
Mitochondrial complex II deficiency, nuclear type 1. Also called: SUCCINATE CoQ REDUCTASE DEFICIENCY. Identifiers: Orphanet 3208, MedGen C5700310, MONDO:0100294, OMIM 252011.
Pheochromocytoma/paraganglioma syndrome 5. Also called: Paragangliomas 5; SDHA-Related Hereditary Paraganglioma-Pheochromocytoma Syndrome. Identifiers: Orphanet 29072, MedGen C3279992, MONDO:0013602, OMIM 614165.
Hereditary cancer-predisposing syndrome. Also called: Neoplastic Syndromes, Hereditary; Hereditary Cancer Syndrome; Hereditary neoplastic syndrome; Tumor predisposition. Identifiers: Orphanet 140162, MedGen C0027672, MeSH D009386, MONDO:0015356.

Allele frequency attached by ClinVar (database versions not stated): gnomAD 0.00001; TOPMed 0.00002.

Submissions (3):

Labcorp Genetics (formerly Invitae), Labcorp
Classification: Uncertain significance for Pheochromocytoma/paraganglioma syndrome 5; Mitochondrial complex II deficiency, nuclear type 1. Last evaluated: 2025-08-11. Review status: criteria provided, single submitter. Criteria: Invitae Variant Classification Sherloc (09022015). Collection method: clinical testing. Allele origin: germline.
Comment: This sequence change replaces glycine, which is neutral and non-polar, with glutamic acid, which is acidic and polar, at codon 29 of the SDHA protein (p.Gly29Glu). This variant is present in population databases (no rsID available, gnomAD 0.01%). This variant has not been reported in the literature in individuals affected with SDHA-related conditions. ClinVar contains an entry for this variant (Variation ID: 472412). Invitae Evidence Modeling of protein sequence and biophysical properties (such as structural, functional, and spatial information, amino acid conservation, physicochemical variation, residue mobility, and thermodynamic stability) indicates that this missense variant is not expected to disrupt SDHA protein function with a negative predictive value of 95%. In summary, the available evidence is currently insufficient to determine the role of this variant in disease. Therefore, it has been classified as a Variant of Uncertain Significance.

Ambry Genetics
Classification: Uncertain significance for Hereditary cancer-predisposing syndrome. Last evaluated: 2023-10-19. Review status: criteria provided, single submitter. Criteria: Ambry Variant Classification Scheme 2023. Collection method: clinical testing. Allele origin: germline.
Comment: The p.G29E variant (also known as c.86G>A), located in coding exon 2 of the SDHA gene, results from a G to A substitution at nucleotide position 86. The glycine at codon 29 is replaced by glutamic acid, an amino acid with similar properties. This amino acid position is not well conserved in available vertebrate species. In addition, this alteration is predicted to be tolerated by in silico analysis. Since supporting evidence is limited at this time, the clinical significance of this alteration remains unclear.

GeneDx
Classification: Uncertain significance. Last evaluated: 2019-07-24. Review status: criteria provided, single submitter. Criteria: GeneDx Variant Classification Process June 2021. Collection method: clinical testing. Allele origin: germline. Affected: yes.
Comment: Has not been previously published as pathogenic or benign to our knowledge; In silico analysis, which includes protein predictors and evolutionary conservation, supports that this variant does not alter protein structure/function

NM_004168.4(SDHA):c.86G>A (p.Gly29Glu)

Gene: SDHA (succinate dehydrogenase complex flavoprotein subunit A; plus strand). Cytogenetic location: 5p15.33.
Variant type: single nucleotide variant.
Coding change: c.86G>A on transcript NM_004168.4 (MANE Select); coding-DNA position 86, G replaced by A.
Protein change: p.Gly29Glu; replaces glycine 29 with glutamic acid.
Molecular consequence: missense variant.
Genome position (GRCh38, 1-based): chr5:223,504, G>A. VCF-style: chr5-223504-G-A. GRCh37 (hg19) VCF-style: chr5-223619-G-A.
Other names: c.86G>A, p.Gly29Glu (NM_001294332.2, NM_001330758.2); short protein forms G29E.
Identifiers: ClinVar variation 472412 (VCV000472412.12), dbSNP rs1436200566, ClinGen allele CA359008107.